The following is an entry in ClinVar:

ClinVar aggregate classification (germline): Benign. Review status: criteria provided, multiple submitters, no conflicts (2 of 4 stars). 3 submissions from 2 submitters: Benign (3). Last evaluated 2021-05-14.

Conditions:
Charcot-Marie-Tooth disease type 4C (CMT4C). Also called: CHARCOT-MARIE-TOOTH DISEASE, DEMYELINATING, AUTOSOMAL RECESSIVE, TYPE 4C; CMT 4C; Charcot-Marie-Tooth Neuropathy Type 4C (CMT4C); CHARCOT-MARIE-TOOTH DISEASE, DEMYELINATING, TYPE 4C; SH3TC2-Related Hereditary Motor and Sensory Neuropathy. Identifiers: Orphanet 99949, MedGen C1866636, MONDO:0011113, OMIM 601596.
Susceptibility to mononeuropathy of the median nerve, mild. Also called: CARPAL TUNNEL SYNDROME, SUSCEPTIBILITY TO. Identifiers: MedGen C3150596, MONDO:0013237, OMIM 613353.

Allele frequency attached by ClinVar (database versions not stated): gnomAD 0.49105; 1000 Genomes Project 0.49361; TOPMed 0.49393; 1000 Genomes Project 30x 0.49656.
gnomAD v4.1: 74,345 of 151,854 alleles (49%); highest among the groups gnomAD compares: African/African-American, 61%; 18,744 homozygotes.

Submissions (3):

GeneDx
Classification: Benign. Last evaluated: 2021-05-14. Review status: criteria provided, single submitter. Criteria: GeneDx Variant Classification Process June 2021. Collection method: clinical testing. Allele origin: germline. Affected: yes.

Illumina Laboratory Services, Illumina
Classification: Benign for Susceptibility to mononeuropathy of the median nerve, mild. Last evaluated: 2018-01-13. Review status: criteria provided, single submitter. Criteria: ICSL Variant Classification Criteria 13 December 2019. Collection method: clinical testing. Allele origin: germline.
Comment: This variant was observed in the ICSL laboratory as part of a predisposition screen in an ostensibly healthy population. It had not been previously curated by ICSL or reported in the Human Gene Mutation Database (HGMD: prior to June 1st, 2018), and was therefore a candidate for classification through an automated scoring system. Utilizing variant allele frequency, disease prevalence and penetrance estimates, and inheritance mode, an automated score was calculated to assess if this variant is too frequent to cause the disease. Based on the score and internal cut-off values, a variant classified as benign is not then subjected to further curation. The score for this variant resulted in a classification of benign for this disease.

Illumina Laboratory Services, Illumina
Classification: Benign for Charcot-Marie-Tooth disease type 4C. Last evaluated: 2018-01-13. Review status: criteria provided, single submitter. Criteria: ICSL Variant Classification Criteria 13 December 2019. Collection method: clinical testing. Allele origin: germline.
Comment: the same text as in the submission from Illumina Laboratory Services, Illumina above.

NM_024577.4(SH3TC2):c.*14766T>A

Gene: SH3TC2 (SH3 domain and tetratricopeptide repeats 2; minus strand). Cytogenetic location: 5q32.
Variant type: single nucleotide variant.
Coding change: c.*14766T>A on transcript NM_024577.4 (MANE Select); 14766 bases downstream of the stop codon, T replaced by A.
Molecular consequence: 3 prime UTR variant.
Genome position (GRCh38, 1-based): chr5:148,989,945, A>T on the plus strand (T>A on the coding strand, the complement: SH3TC2 is on the minus strand). VCF-style: chr5-148989945-A-T. GRCh37 (hg19) VCF-style: chr5-148369508-A-T.
Identifiers: ClinVar variation 351661 (VCV000351661.7), dbSNP rs891919, ClinGen allele CA10623347.